The following is an entry in ClinVar:

ClinVar aggregate classification (germline): Uncertain significance (1 of 4 stars; one submission).

Allele frequency attached by ClinVar (database versions not stated): gnomAD 0.00001; TOPMed 0.00001.
gnomAD v4.1: 5 of 1,576,972 alleles (0.00032%); highest among the groups gnomAD compares: Non-Finnish European, 0.00044%; no homozygotes.

Submission:

Women's Health and Genetics/Laboratory Corporation of America, LabCorp
Classification: Uncertain significance. Last evaluated: 2023-08-08. Review status: criteria provided, single submitter. Criteria: LabCorp Variant Classification Summary - May 2015. Collection method: clinical testing. Allele origin: germline.
Comment: Variant summary: DCC c.698-17G>T alters a non-conserved nucleotide located close to a canonical splice site and therefore could affect mRNA splicing, leading to a significantly altered protein sequence. Computational tools predict no significant impact on normal splicing. However, these predictions have yet to be confirmed by functional studies. The variant was absent in 250540 control chromosomes (gnomAD). The available data on variant occurrences in the general population are insufficient to allow any conclusion about variant significance. To our knowledge, no occurrence of c.698-17G>T in individuals affected with Mirror Movements 1 and no experimental evidence demonstrating its impact on protein function have been reported. No submitters have cited clinical-significance assessments for this variant to ClinVar after 2014. Based on the evidence outlined above, the variant was classified as uncertain significance.

NM_005215.4(DCC):c.698-17G>T

Gene: DCC (DCC netrin 1 receptor; plus strand). Cytogenetic location: 18q21.2.
Variant type: single nucleotide variant.
Coding change: c.698-17G>T on transcript NM_005215.4 (MANE Select); 17 bases into the intron before coding-DNA position 698, G replaced by T.
Molecular consequence: intron variant.
Genome position (GRCh38, 1-based): chr18:52,923,690, G>T. VCF-style: chr18-52923690-G-T. GRCh37 (hg19) VCF-style: chr18-50450060-G-T.
Identifiers: ClinVar variation 2581572 (VCV002581572.1), dbSNP rs1177650827, ClinGen allele CA780395889.
Genomic context (GRCh38, chr18:52,923,690, plus strand): 5'-GGAAAAAAATCAAAATATATCATTTATCTTTGCAATGTTTTTCATATATCATATGATACT[G>T]TGTTTTCCCCTCATAGATCCAGGACTGCATAGACAGCTGTATTTTCTGCAAAGACCATCC-3'